The following is an entry in ClinVar:

ClinVar aggregate classification (germline): Pathogenic (1 of 4 stars; one submission).

Conditions:
Neurofibromatosis, type 1 (NF1). Also called: NEUROFIBROMATOSIS, TYPE I, SOMATIC; Peripheral type neurofibromatosis; VON RECKLINGHAUSEN DISEASE; Neurofibromatosis, type I. Identifiers: Orphanet 636, MedGen C0027831, MONDO:0018975, OMIM 162200. Disease mechanism: loss of function.

Submission:

Labcorp Genetics (formerly Invitae), Labcorp
Classification: Pathogenic for Neurofibromatosis, type 1. Last evaluated: 2025-12-10. Review status: criteria provided, single submitter. Criteria: Invitae Variant Classification Sherloc (09022015). Collection method: clinical testing. Allele origin: germline.
Comment: This sequence change creates a premature translational stop signal (p.Lys2435*) in the NF1 gene. It is expected to result in an absent or disrupted protein product. Loss-of-function variants in NF1 are known to be pathogenic (PMID: 10712197, 23913538). This variant is not present in population databases (gnomAD no frequency). This variant has not been reported in the literature in individuals affected with NF1-related conditions. Invitae Evidence Modeling of clinical and family history, age, sex, and reported ancestry of multiple individuals with this NF1 variant has been performed. This variant is expected to be pathogenic with a positive predictive value of at least 99%. This is a validated machine learning model that incorporates the clinical features of 1,785,918 individuals referred to our laboratory for NF1 testing. ClinVar contains an entry for this variant (Variation ID: 2812691). For these reasons, this variant has been classified as Pathogenic.

Literature cited by the submitters: PubMed 10712197; PubMed 23913538.

NM_001042492.3(NF1):c.7363_7364dup (p.Leu2455_Lys2456insTer)

Gene: NF1 (neurofibromin 1; plus strand). Cytogenetic location: 17q11.2.
Variant type: Duplication.
Coding change: c.7363_7364dup on transcript NM_001042492.3 (MANE Select); coding-DNA positions 7363 to 7364, 2 bases duplicated (CT; older notation c.7363_7364dupCT).
Protein change: p.Leu2455_Lys2456insTer.
Molecular consequence: frameshift variant. On other transcripts: nonsense (1).
Genome position (GRCh38, 1-based): chr17:31,350,224-31,350,225, CT duplicated. VCF-style (leftmost placement, unchanged base first): chr17-31350223-C-CCT. GRCh37 (hg19) VCF-style: chr17-29677241-C-CCT.
Other names: c.7300_7301dup, p.Lys2435Terfs (NM_000267.4).
Identifiers: ClinVar variation 2812691 (VCV002812691.3), dbSNP rs2508805445, ClinGen allele CA2739265573.
Genomic context (GRCh38, chr17:31,350,223, plus strand): 5'-TGCCACCGTTTTCCTTTTAGCTTTACTTACAGTGTCTGAAGAAGTTCGAAGTCGCTGCAG[C>CCT]CTAAAACATAGAAAGTCACTTCTTCTTACTGATATTTCAATGGAAAATGTTCCTATGGAT-3'